The following is an entry in ClinVar:

ClinVar aggregate classification (germline): Uncertain significance (1 of 4 stars; one submission).

Conditions:
Spastic paraplegia. Identifiers: MedGen C0037772, HP:0001258.

Submission:

Labcorp Genetics (formerly Invitae), Labcorp
Classification: Uncertain significance for Spastic paraplegia. Last evaluated: 2024-09-16. Review status: criteria provided, single submitter. Criteria: Invitae Variant Classification Sherloc (09022015). Collection method: clinical testing. Allele origin: germline.
Comment: This sequence change replaces tyrosine, which is neutral and polar, with aspartic acid, which is acidic and polar, at codon 469 of the KDM5C protein (p.Tyr469Asp). This variant is not present in population databases (gnomAD no frequency). This variant has not been reported in the literature in individuals affected with KDM5C-related conditions. ClinVar contains an entry for this variant (Variation ID: 2128536). Invitae Evidence Modeling of protein sequence and biophysical properties (such as structural, functional, and spatial information, amino acid conservation, physicochemical variation, residue mobility, and thermodynamic stability) has been performed for this missense variant. However, the output from this modeling did not meet the statistical confidence thresholds required to predict the impact of this variant on KDM5C protein function. In summary, the available evidence is currently insufficient to determine the role of this variant in disease. Therefore, it has been classified as a Variant of Uncertain Significance.

NM_004187.5(KDM5C):c.1405T>G (p.Tyr469Asp)

Gene: KDM5C (lysine demethylase 5C; minus strand). Cytogenetic location: Xp11.22.
Variant type: single nucleotide variant.
Coding change: c.1405T>G on transcript NM_004187.5 (MANE Select); coding-DNA position 1405, T replaced by G.
Protein change: p.Tyr469Asp; replaces tyrosine 469 with aspartic acid.
Molecular consequence: missense variant. On other transcripts: non-coding transcript variant (3).
Genome position (GRCh38, 1-based): chrX:53,210,854, A>C on the plus strand (T>G on the coding strand, the complement: KDM5C is on the minus strand). VCF-style: chrX-53210854-A-C. GRCh37 (hg19) VCF-style: chrX-53240036-A-C.
Other names: c.1204T>G, p.Tyr402Asp (NM_001146702.2); c.1402T>G, p.Tyr468Asp (NM_001282622.3, NM_001353979.2, NM_001353982.2); c.1405T>G, p.Tyr469Asp (NM_001353978.3, NM_001353981.2, NM_001353984.2); short protein forms Y469D, Y468D, Y402D.
Identifiers: ClinVar variation 2128536 (VCV002128536.4), dbSNP rs2519510121, ClinGen allele CA413129277.